The following is an entry in ClinVar:

ClinVar aggregate classification (germline): Likely pathogenic (1 of 4 stars; one submission).

Conditions:
Dilated cardiomyopathy 1G (CMD1G). Identifiers: Orphanet 154, MedGen C1858763, MONDO:0011400, OMIM 604145.
Autosomal recessive limb-girdle muscular dystrophy type 2J (LGMDR10). Also called: Limb-girdle muscular dystrophy, type 2J; MUSCULAR DYSTROPHY, LIMB-GIRDLE, AUTOSOMAL RECESSIVE 10. Identifiers: Orphanet 140922, MedGen C1837342, MONDO:0012127, OMIM 608807.

Submission:

Labcorp Genetics (formerly Invitae), Labcorp
Classification: Likely pathogenic for Dilated cardiomyopathy 1G; Autosomal recessive limb-girdle muscular dystrophy type 2J. Last evaluated: 2024-10-18. Review status: criteria provided, single submitter. Criteria: Invitae Variant Classification Sherloc (09022015). Collection method: clinical testing. Allele origin: germline.
Comment: This sequence change creates a premature translational stop signal (p.Gln11347*) in the TTN gene. While this is not anticipated to result in nonsense mediated decay, it is expected to create a truncated TTN protein. This variant is not present in population databases (gnomAD no frequency). This variant has not been reported in the literature in individuals affected with TTN-related conditions. ClinVar contains an entry for this variant (Variation ID: 1524705). Algorithms developed to predict the effect of sequence changes on RNA splicing suggest that this variant may disrupt the consensus splice site. This variant is located in the I band of TTN (PMID: 25589632). Truncating variants in this region have been reported in individuals affected with autosomal recessive centronuclear myopathy (PMID: 23975875, internal data). Truncating variants in this region have also been identified in individuals affected with autosomal dominant dilated cardiomyopathy and/or cardio-related conditions (PMID: 27869827, 32964742, internal data). In summary, the currently available evidence indicates that the variant is pathogenic, but additional data are needed to prove that conclusively. Therefore, this variant has been classified as Likely Pathogenic.

Literature cited by the submitters: PubMed 25589632; PubMed 23975875; PubMed 27869827; PubMed 32964742.

NM_001267550.2(TTN):c.34039C>T (p.Gln11347Ter)

Gene: TTN (titin; minus strand). Cytogenetic location: 2q31.2.
Variant type: single nucleotide variant.
Coding change: c.34039C>T on transcript NM_001267550.2 (MANE Select); coding-DNA position 34039, C replaced by T.
Protein change: p.Gln11347Ter; replaces glutamine 11347 with a stop codon.
Molecular consequence: nonsense. On other transcripts: intron variant (3).
Genome position (GRCh38, 1-based): chr2:178,677,873, G>A on the plus strand (C>T on the coding strand, the complement: TTN is on the minus strand). VCF-style: chr2-178677873-G-A. GRCh37 (hg19) VCF-style: chr2-179542600-G-A.
Other names: c.33088C>T, p.Gln11030Ter (NM_001256850.1); c.30307C>T, p.Gln10103Ter (NM_133378.4); c.13283-35556C>T (NM_003319.4); c.13859-35556C>T (NM_133437.4); c.13658-35556C>T (NM_133432.3); short protein forms Q10103*, Q11030*, Q11347*.
Identifiers: ClinVar variation 1524705 (VCV001524705.8), dbSNP rs2154268786, ClinGen allele CA349530700.